The following is an entry in ClinVar:

ClinVar aggregate classification (germline): Likely benign (0 of 4 stars; one submission).

Conditions:
MTOR-related disorder. Also called: MTOR-related condition.

Allele frequency attached by ClinVar (database versions not stated): gnomAD exomes 0.00001; ExAC 0.00002.
gnomAD v4.1: 7 of 1,613,676 alleles (0.00043%); highest among the groups gnomAD compares: South Asian, 0.0077%; no homozygotes.

Submission:

PreventionGenetics, part of Exact Sciences
Classification: Likely benign for MTOR-related condition. Last evaluated: 2023-09-16. Review status: no assertion criteria provided. Collection method: clinical testing. Allele origin: germline.
Comment: This variant is classified as likely benign based on ACMG/AMP sequence variant interpretation guidelines (Richards et al. 2015 PMID: 25741868, with internal and published modifications).

NM_004958.4(MTOR):c.4794G>A (p.Glu1598=)

Genes: MTOR (mechanistic target of rapamycin kinase; minus strand), MTOR-AS1 (MTOR antisense RNA 1; plus strand). Cytogenetic location: 1p36.22.
Variant type: single nucleotide variant.
Coding change: c.4794G>A on transcript NM_004958.4 (MANE Select); coding-DNA position 4794, G replaced by A.
Protein change: p.Glu1598=; no amino-acid change (glutamic acid 1598 retained).
Molecular consequence: synonymous variant. On other transcripts: non-coding transcript variant (1).
Genome position (GRCh38, 1-based): chr1:11,144,726, C>T on the plus strand (G>A on the coding strand, the complement: MTOR is on the minus strand). VCF-style: chr1-11144726-C-T. GRCh37 (hg19) VCF-style: chr1-11204783-C-T.
Other names: c.4794G>A, p.Glu1598= (NM_001386500.1); c.3546G>A, p.Glu1182= (NM_001386501.1).
Identifiers: ClinVar variation 3046635 (VCV003046635.2), dbSNP rs757225087, ClinGen allele CA589545.